The following is an entry in ClinVar:

NM_153026.3(PRICKLE1):c.2126A>G (p.Tyr709Cys)

Gene: PRICKLE1 (prickle planar cell polarity protein 1; minus strand). Cytogenetic location: 12q12.
Variant type: single nucleotide variant.
Coding change: c.2126A>G on transcript NM_153026.3 (MANE Select); coding-DNA position 2126, A replaced by G.
Protein change: p.Tyr709Cys; replaces tyrosine 709 with cysteine.
Molecular consequence: missense variant.
Genome position (GRCh38, 1-based): chr12:42,460,179, T>C on the plus strand (A>G on the coding strand, the complement: PRICKLE1 is on the minus strand). VCF-style: chr12-42460179-T-C. GRCh37 (hg19) VCF-style: chr12-42853981-T-C.
Other names: c.2126A>G, p.Tyr709Cys (NM_001144881.2, NM_001144882.2, NM_001144883.2); short protein forms Y709C.
Identifiers: ClinVar variation 950794 (VCV000950794.10), dbSNP rs750226436, ClinGen allele CA235488481.
Genomic context (GRCh38, chr12:42,460,179, plus strand): 5'-TCAGCATTCTGGATGTATGCTTGGATCTCCCGGGCACTTTTATTCTGTATAAATTTCTCA[T>C]AGTTATCGGGGGTGTACAGCCGCAGTCTGTCCTTGGGAGAGTATTTTCTTTCTGTAACAA-3'
Protein context (NP_694571.2, residues 699-719): DRLRLYTPDN[Tyr709Cys]EKFIQNKSAR

ClinVar aggregate classification (germline): Uncertain significance. Review status: criteria provided, multiple submitters, no conflicts (2 of 4 stars). 2 submissions from 2 submitters: Uncertain significance (2). Last evaluated 2025-04-24.

Conditions:
Epilepsy, progressive myoclonic, 1B. Also called: PME. Identifiers: Orphanet 308, MedGen C2676254, MONDO:0012904, OMIM 612437.

Allele frequency attached by ClinVar (database versions not stated): TOPMed below 0.00001; gnomAD exomes 0.00001; gnomAD 0.00002.
gnomAD v4.1: 21 of 1,613,996 alleles (0.0013%); highest among the groups gnomAD compares: Non-Finnish European, 0.0017%; no homozygotes.

Submissions (2):

Ambry Genetics
Classification: Uncertain significance. Last evaluated: 2025-04-24. Review status: criteria provided, single submitter. Criteria: Ambry Variant Classification Scheme 2023. Collection method: clinical testing. Allele origin: germline.

Labcorp Genetics (formerly Invitae), Labcorp
Classification: Uncertain significance for Epilepsy, progressive myoclonic, 1B. Last evaluated: 2020-02-24. Review status: criteria provided, single submitter. Criteria: Invitae Variant Classification Sherloc (09022015). Collection method: clinical testing. Allele origin: germline.
Comment: In summary, the available evidence is currently insufficient to determine the role of this variant in disease. Therefore, it has been classified as a Variant of Uncertain Significance. This sequence change replaces tyrosine with cysteine at codon 709 of the PRICKLE1 protein (p.Tyr709Cys). The tyrosine residue is highly conserved and there is a large physicochemical difference between tyrosine and cysteine. This variant is not present in population databases (ExAC no frequency). This variant has not been reported in the literature in individuals with PRICKLE1-related conditions. Algorithms developed to predict the effect of missense changes on protein structure and function are either unavailable or do not agree on the potential impact of this missense change (SIFT: "Tolerated"; PolyPhen-2: "Possibly Damaging"; Align-GVGD: "Class C15"). Algorithms developed to predict the effect of sequence changes on RNA splicing suggest that this variant may create or strengthen a splice site, but this prediction has not been confirmed by published transcriptional studies.